The following is an entry in ClinVar:

NM_015015.3(KDM4B):c.1862G>A (p.Arg621Gln)

Gene: KDM4B (lysine demethylase 4B; plus strand). Cytogenetic location: 19p13.3.
Variant type: single nucleotide variant.
Coding change: c.1862G>A on transcript NM_015015.3 (MANE Select); coding-DNA position 1862, G replaced by A.
Protein change: p.Arg621Gln; replaces arginine 621 with glutamine.
Molecular consequence: missense variant.
Genome position (GRCh38, 1-based): chr19:5,131,963, G>A. VCF-style: chr19-5131963-G-A. GRCh37 (hg19) VCF-style: chr19-5131974-G-A.
Other names: c.1964G>A, p.Arg655Gln (NM_001411148.1); short protein forms R655Q, R621Q.
Identifiers: ClinVar variation 4795624 (VCV004795624.1).

ClinVar aggregate classification (germline): Uncertain significance (1 of 4 stars; one submission).

gnomAD v4.1: 1 of 1,611,770 alleles (0.000062%); no homozygotes.

Submission:

GeneDx
Classification: Uncertain significance. Last evaluated: 2025-08-13. Review status: criteria provided, single submitter. Criteria: GeneDx Variant Classification Process June 2021. Collection method: clinical testing. Allele origin: germline. Affected: yes.
Comment: Not observed at significant frequency in large population cohorts (gnomAD); In silico analysis supports that this missense variant has a deleterious effect on protein structure/function; Has not been previously published as pathogenic or benign to our knowledge